The following is an entry in ClinVar:

NC_012920.1(MT-TH):m.12204A>C

Gene: MT-TH (mitochondrially encoded tRNA histidine; plus strand).
Variant type: single nucleotide variant.
Genome position: chrM-12204-A-C.
Identifiers: ClinVar variation 690156 (VCV000690156.1), dbSNP rs1603223614, ClinGen allele CA913169702.

ClinVar aggregate classification (germline): Uncertain significance (1 of 4 stars; one submission).

Conditions:
MELAS syndrome (MELAS). Also called: Juvenile myopathy, encephalopathy, lactic acidosis, stroke. Identifiers: Orphanet 550, MedGen C0162671, MONDO:0010789, OMIM 540000.

Submission:

Wong Mito Lab, Molecular and Human Genetics, Baylor College of Medicine
Classification: Uncertain significance for MELAS syndrome. Last evaluated: 2019-07-12. Review status: criteria provided, single submitter. Criteria: Modified ACMG Guidelines (Unpublished). Collection method: clinical testing. Allele origin: germline.
Comment: The NC_012920.1:m.12204A>C variant in MT-TH gene is interpreted to be a Unknown Significance variant based on the modified ACMG guidelines (unpublished). This variant meets the following evidence codes reported in the guidelines: PM7, PP6, PP7

Literature cited by the submitters: PubMed 31965079.